The following is an entry in ClinVar:

ClinVar aggregate classification (germline): Uncertain significance (1 of 4 stars; one submission).

Conditions:
Factor V deficiency. Also called: Reduced coagulation factor V activity. Identifiers: Orphanet 326, MedGen C4317320, MONDO:0020586, HP:0003225.

Allele frequency attached by ClinVar (database versions not stated): gnomAD 0.00001 and 0.00002; TOPMed 0.00005; gnomAD exomes 0.00002 and 0.00007; ExAC 0.00009; 1000 Genomes Project 0.00020; 1000 Genomes Project 30x 0.00031.
gnomAD v4.1: 34 of 1,613,238 alleles (0.0021%); highest among the groups gnomAD compares: South Asian, 0.014%; no homozygotes.

Submission:

Labcorp Genetics (formerly Invitae), Labcorp
Classification: Uncertain significance for Congenital factor V deficiency. Last evaluated: 2022-05-10. Review status: criteria provided, single submitter. Criteria: Invitae Variant Classification Sherloc (09022015). Collection method: clinical testing. Allele origin: germline.
Comment: This sequence change replaces proline, which is neutral and non-polar, with leucine, which is neutral and non-polar, at codon 1667 of the F5 protein (p.Pro1667Leu). This variant is present in population databases (rs200157005, gnomAD 0.02%). This variant has not been reported in the literature in individuals affected with F5-related conditions. Algorithms developed to predict the effect of missense changes on protein structure and function are either unavailable or do not agree on the potential impact of this missense change (SIFT: "Deleterious"; PolyPhen-2: "Probably Damaging"; Align-GVGD: "Class C0"). In summary, the available evidence is currently insufficient to determine the role of this variant in disease. Therefore, it has been classified as a Variant of Uncertain Significance.

NM_000130.5(F5):c.5000C>T (p.Pro1667Leu)

Gene: F5 (coagulation factor V; minus strand). Cytogenetic location: 1q24.2.
Variant type: single nucleotide variant.
Coding change: c.5000C>T on transcript NM_000130.5 (MANE Select); coding-DNA position 5000, C replaced by T.
Protein change: p.Pro1667Leu; replaces proline 1667 with leucine.
Molecular consequence: missense variant.
Genome position (GRCh38, 1-based): chr1:169,530,994, G>A on the plus strand (C>T on the coding strand, the complement: F5 is on the minus strand). VCF-style: chr1-169530994-G-A. GRCh37 (hg19) VCF-style: chr1-169500232-G-A.
Other names: short protein forms P1667L.
Identifiers: ClinVar variation 1420467 (VCV001420467.3), dbSNP rs200157005, ClinGen allele CA1233592.